The following is an entry in ClinVar:

ClinVar aggregate classification (germline): Uncertain significance (1 of 4 stars; one submission).

Conditions:
Brugada syndrome 5 (BRGDA5). Identifiers: Orphanet 130, Orphanet 871, MedGen C2748541, MONDO:0013015, OMIM 612838.

Submission:

Labcorp Genetics (formerly Invitae), Labcorp
Classification: Uncertain significance for Brugada syndrome 5. Last evaluated: 2025-04-02. Review status: criteria provided, single submitter. Criteria: Invitae Variant Classification Sherloc (09022015). Collection method: clinical testing. Allele origin: germline.
Comment: This sequence change replaces glutamic acid, which is acidic and polar, with alanine, which is neutral and non-polar, at codon 133 of the SCN1B protein (p.Glu133Ala). This variant is not present in population databases (gnomAD no frequency). This variant has not been reported in the literature in individuals affected with SCN1B-related conditions. An algorithm developed to predict the effect of missense changes on protein structure and function (PolyPhen-2) suggests that this variant is likely to be tolerated. In summary, the available evidence is currently insufficient to determine the role of this variant in disease. Therefore, it has been classified as a Variant of Uncertain Significance.

NM_001037.5(SCN1B):c.398A>C (p.Glu133Ala)

Gene: SCN1B (sodium voltage-gated channel beta subunit 1; plus strand). Cytogenetic location: 19q13.11.
Variant type: single nucleotide variant.
Coding change: c.398A>C on transcript NM_001037.5 (MANE Select); coding-DNA position 398, A replaced by C.
Protein change: p.Glu133Ala; replaces glutamic acid 133 with alanine.
Molecular consequence: missense variant.
Genome position (GRCh38, 1-based): chr19:35,033,689, A>C. VCF-style: chr19-35033689-A-C. GRCh37 (hg19) VCF-style: chr19-35524593-A-C.
Other names: c.299A>C, p.Glu100Ala (NM_001321605.2); c.398A>C, p.Glu133Ala (NM_199037.5); short protein forms E133A, E100A.
Identifiers: ClinVar variation 4711565 (VCV004711565.1).
Genomic context (GRCh38, chr19:35,033,689, plus strand): 5'-ACAACCACTCGGGCGACTACGAGTGCCACGTCTACCGCCTGCTCTTCTTCGAAAACTACG[A>C]GCACAACACCAGCGTCGTCAAGAAGATCCACATTGAGGTAGTGGACAAAGGTGAGTCGGG-3'
Protein context (NP_001028.1, residues 123-143): VYRLLFFENY[Glu133Ala]HNTSVVKKIH